The following is an entry in ClinVar:

ClinVar aggregate classification (germline): Uncertain significance. Review status: criteria provided, multiple submitters, no conflicts (2 of 4 stars). 2 submissions from 2 submitters: Uncertain significance (2). Last evaluated 2023-12-11.

Allele frequency attached by ClinVar (database versions not stated): gnomAD exomes 0.00002; TOPMed 0.00002; ExAC 0.00005; gnomAD 0.00005; ESP Exome Variant Server 0.00008; 1000 Genomes Project 30x 0.00016; 1000 Genomes Project 0.00020.

Submissions (2):

Labcorp Genetics (formerly Invitae), Labcorp
Classification: Uncertain significance. Last evaluated: 2023-12-11. Review status: criteria provided, single submitter. Criteria: Invitae Variant Classification Sherloc (09022015). Collection method: clinical testing. Allele origin: germline.
Comment: This sequence change replaces arginine, which is basic and polar, with histidine, which is basic and polar, at codon 158 of the PDZD7 protein (p.Arg158His). This variant is present in population databases (rs189914613, gnomAD 0.007%). This variant has not been reported in the literature in individuals affected with PDZD7-related conditions. ClinVar contains an entry for this variant (Variation ID: 1914194). Advanced modeling of protein sequence and biophysical properties (such as structural, functional, and spatial information, amino acid conservation, physicochemical variation, residue mobility, and thermodynamic stability) performed at Invitae indicates that this missense variant is not expected to disrupt PDZD7 protein function with a negative predictive value of 80%. In summary, the available evidence is currently insufficient to determine the role of this variant in disease. Therefore, it has been classified as a Variant of Uncertain Significance.

Blueprint Genetics
Classification: Uncertain significance. Last evaluated: 2023-03-02. Review status: criteria provided, single submitter. Criteria: ACMG Guidelines, 2015. Collection method: clinical testing. Allele origin: germline.

NM_001195263.2(PDZD7):c.473G>A (p.Arg158His)

Gene: PDZD7 (PDZ domain containing 7; minus strand). Cytogenetic location: 10q24.31.
Variant type: single nucleotide variant.
Coding change: c.473G>A on transcript NM_001195263.2 (MANE Select); coding-DNA position 473, G replaced by A.
Protein change: p.Arg158His; replaces arginine 158 with histidine.
Molecular consequence: missense variant.
Genome position (GRCh38, 1-based): chr10:101,023,505, C>T on the plus strand (G>A on the coding strand, the complement: PDZD7 is on the minus strand). VCF-style: chr10-101023505-C-T. GRCh37 (hg19) VCF-style: chr10-102783262-C-T.
Other names: c.473G>A, p.Arg158His (NM_001351044.2, NM_024895.5); short protein forms R158H.
Identifiers: ClinVar variation 1914194 (VCV001914194.4), dbSNP rs189914613, ClinGen allele CA5654377.